The following is an entry in ClinVar:

NC_000009.12:g.35658022_35658023insTCTCAGCTTCACAGAGTAGTGGT

Gene: RMRP (RNA component of mitochondrial RNA processing endoribonuclease; minus strand). Cytogenetic location: 9p13.3.
Variant type: Insertion.
Genome position: GRCh38 VCF-style: chr9-35658020-C-CGTTCTCAGCTTCACAGAGTAGTG. GRCh37 (hg19) VCF-style: chr9-35658017-C-CGTTCTCAGCTTCACAGAGTAGTG.
Identifiers: ClinVar variation 1459567 (VCV001459567.8), dbSNP rs1554651405, ClinGen allele CA2573144649.

ClinVar aggregate classification (germline): Pathogenic (1 of 4 stars; one submission).

Conditions:
Anauxetic dysplasia. Identifiers: Orphanet 93347, MedGen C1846796, MONDO:0011773.

Submission:

Labcorp Genetics (formerly Invitae), Labcorp
Classification: Pathogenic for Anauxetic dysplasia. Last evaluated: 2025-03-17. Review status: criteria provided, single submitter. Criteria: Invitae Variant Classification Sherloc (09022015). Collection method: clinical testing. Allele origin: germline.
Comment: This variant occurs in the RMRP gene, which encodes an RNA molecule that does not result in a protein product. This variant is not present in population databases (gnomAD no frequency). While this particular variant has not been reported in the literature, it is located in the promoter region between the TATA box and the transcription initiation site, and other insertions and duplications immediately upstream of the coding sequence have been reported in individuals affected with cartilage-hair hypoplasia-anauxetic dysplasia (CHH-AD) spectrum disorders (PMID: 16244706, 11207361, 12107819). While functional studies for this variant have not been reported, experimental analyses using patient derived cells, as well as in vitro transfection studies, have shown that promoter insertions result in silencing of RMRP transcription and reduced expression of the gene product (PMID: 11207361, 16254002). For these reasons, this variant has been classified as Pathogenic.

Literature cited by the submitters: PubMed 16244706; PubMed 11207361; PubMed 12107819; PubMed 16254002.